The following is an entry in ClinVar:

NM_178857.6(RP1L1):c.1153C>T (p.Arg385Trp)

Gene: RP1L1 (RP1 like 1). Cytogenetic location: 8p23.1.
Variant type: single nucleotide variant.
Coding change: c.1153C>T on transcript NM_178857.6 (MANE Select); coding-DNA position 1153, C replaced by T.
Protein change: p.Arg385Trp; replaces arginine 385 with tryptophan.
Molecular consequence: missense variant.
Genome position (GRCh38, 1-based): chr8:10,612,945, G>A on the plus strand (C>T on the coding strand, the complement: RP1L1 is on the minus strand). VCF-style: chr8-10612945-G-A. GRCh37 (hg19) VCF-style: chr8-10470455-G-A.
Other names: c.1153C>T (NM_178857.5); short protein forms R385W.
Identifiers: ClinVar variation 4899386 (VCV004899386.2).

ClinVar aggregate classification (germline): Uncertain significance. Review status: criteria provided, multiple submitters, no conflicts (2 of 4 stars). 2 submissions from 2 submitters: Uncertain significance (2). Last evaluated 2026-03-05.

Conditions:
RP1L1-related disorder. Also called: RP1L1-related condition.

gnomAD v4.1: 21 of 1,612,920 alleles (0.0013%); highest among the groups gnomAD compares: Middle Eastern, 0.016%; no homozygotes.

Submissions (2):

PreventionGenetics, part of Exact Sciences
Classification: Uncertain significance for RP1L1-related condition. Last evaluated: 2026-03-05. Review status: criteria provided, single submitter. Criteria: ACMG Guidelines, 2015. Collection method: clinical testing. Allele origin: germline.
Comment: The RP1L1 c.1153C>T variant is predicted to result in the amino acid substitution p.Arg385Trp. This variant has been reported in an individual with retinitis pigmentosa (Haer-Wigman et al. 2017. PubMed ID: 28224992). This variant is reported in 0.0053% of alleles in individuals of European (Non-Finnish) descent in gnomAD. At this time, the clinical significance of this variant is uncertain due to the absence of conclusive functional and genetic evidence.

Blueprint Genetics
Classification: Uncertain significance. Last evaluated: 2023-07-11. Review status: criteria provided, single submitter. Criteria: ACMG Guidelines, 2015. Collection method: clinical testing. Allele origin: germline.